The following is an entry in ClinVar:

NM_004304.5(ALK):c.2426G>C (p.Arg809Thr)

Gene: ALK (ALK receptor tyrosine kinase; minus strand). Cytogenetic location: 2p23.2.
Variant type: single nucleotide variant.
Coding change: c.2426G>C on transcript NM_004304.5 (MANE Select); coding-DNA position 2426, G replaced by C.
Protein change: p.Arg809Thr; replaces arginine 809 with threonine.
Molecular consequence: missense variant.
Genome position (GRCh38, 1-based): chr2:29,233,626, C>G on the plus strand (G>C on the coding strand, the complement: ALK is on the minus strand). VCF-style: chr2-29233626-C-G. GRCh37 (hg19) VCF-style: chr2-29456492-C-G.
Other names: short protein forms R809T.
Identifiers: ClinVar variation 5035507 (VCV005035507.1).

ClinVar aggregate classification (germline): Uncertain significance (1 of 4 stars; one submission).

Conditions:
Hereditary cancer-predisposing syndrome. Also called: Hereditary Cancer Syndrome; Neoplastic Syndromes, Hereditary; Tumor predisposition; Hereditary neoplastic syndrome. Identifiers: Orphanet 140162, MedGen C0027672, MeSH D009386, MONDO:0015356.

Submission:

Ambry Genetics
Classification: Uncertain significance for Hereditary cancer-predisposing syndrome. Last evaluated: 2026-08-11. Review status: criteria provided, single submitter. Criteria: Ambry Variant Classification Scheme 2023. Collection method: clinical testing. Allele origin: germline.
Comment: The p.R809T variant (also known as c.2426G>C), located in coding exon 14 of the ALK gene, results from a G to C substitution at nucleotide position 2426. The arginine at codon 809 is replaced by threonine, an amino acid with similar properties. This amino acid position is conserved. In addition, this alteration is predicted to be tolerated by in silico analysis. Based on the available evidence, the clinical significance of this variant remains unclear.